The following is an entry in ClinVar:

ClinVar aggregate classification (germline): Benign (0 of 4 stars; one submission).

Conditions:
G6PC2-related disorder. Also called: G6PC2-related condition.

Allele frequency attached by ClinVar (database versions not stated): ESP Exome Variant Server 0.00185; gnomAD exomes 0.00265; gnomAD 0.00375; TOPMed 0.00417; ExAC 0.00457; 1000 Genomes Project 0.01318; 1000 Genomes Project 30x 0.01374.

Submission:

PreventionGenetics, part of Exact Sciences
Classification: Benign for G6PC2-related condition. Last evaluated: 2019-04-01. Review status: no assertion criteria provided. Collection method: clinical testing. Allele origin: germline.
Comment: This variant is classified as benign based on ACMG/AMP sequence variant interpretation guidelines (Richards et al. 2015 PMID: 25741868, with internal and published modifications).

NM_021176.3(G6PC2):c.970T>C (p.Ser324Pro)

Gene: G6PC2 (glucose-6-phosphatase catalytic subunit 2; plus strand). Cytogenetic location: 2q31.1.
Variant type: single nucleotide variant.
Coding change: c.970T>C on transcript NM_021176.3 (MANE Select); coding-DNA position 970, T replaced by C.
Protein change: p.Ser324Pro; replaces serine 324 with proline.
Molecular consequence: missense variant. On other transcripts: 3 prime UTR variant (1).
Genome position (GRCh38, 1-based): chr2:168,907,981, T>C. VCF-style: chr2-168907981-T-C. GRCh37 (hg19) VCF-style: chr2-169764491-T-C.
Other names: c.*389T>C (NM_001081686.2); short protein forms S324P.
Identifiers: ClinVar variation 3044109 (VCV003044109.2), dbSNP rs2232326, ClinGen allele CA1950855.